The following is an entry in ClinVar:

NM_018082.6(POLR3B):c.635G>A (p.Ser212Asn)

Gene: POLR3B (RNA polymerase III subunit B; plus strand). Cytogenetic location: 12q23.3.
Variant type: single nucleotide variant.
Coding change: c.635G>A on transcript NM_018082.6 (MANE Select); coding-DNA position 635, G replaced by A.
Protein change: p.Ser212Asn; replaces serine 212 with asparagine.
Molecular consequence: missense variant.
Genome position (GRCh38, 1-based): chr12:106,380,051, G>A. VCF-style: chr12-106380051-G-A. GRCh37 (hg19) VCF-style: chr12-106773829-G-A.
Other names: c.461G>A, p.Ser154Asn (NM_001160708.2); short protein forms S154N, S212N.
Identifiers: ClinVar variation 4879793 (VCV004879793.1).

ClinVar aggregate classification (germline): Uncertain significance (1 of 4 stars; one submission).

Conditions:
Charcot-Marie-Tooth disease, demyelinating, IIA 1I. Also called: Charcot-Marie-Tooth disease, demyelinating, type 1I; CHARCOT-MARIE-TOOTH NEUROPATHY, TYPE 1I. Identifiers: MedGen C5676914, MONDO:0030677, OMIM 619742.

Submission:

Victorian Clinical Genetics Services, Murdoch Childrens Research Institute
Classification: Uncertain significance for Charcot-Marie-Tooth disease, demyelinating, IIA 1I. Last evaluated: 2026-07-03. Review status: criteria provided, single submitter. Criteria: ACMG Guidelines, 2015. Collection method: clinical testing. Allele origin: germline. Affected: yes.
Comment: This variant is classified as VUS-3A. Evidence in support of pathogenic classification: Variant is absent from gnomAD (v4). Additional information: Variant is predicted to result in a missense amino acid change from Ser to Asn; This variant is heterozygous; This gene is associated with both recessive and dominant disease. Leukodystrophy, hypomyelinating, 8, with or without oligodontia and/or hypogonadotropic hypogonadism has biallelic inheritance and Charcot-Marie-Tooth disease, demyelinating, type 1I has monoallelic inheritance (OMIM). - This variant has no previous evidence of pathogenicity; No published evidence of segregation with disease has been identified for this variant; No published functional evidence has been identified for this variant; Another missense variant comparable to the one identified in this case has inconclusive previous evidence for pathogenicity. p.(Ser212Gly) has been submitted as a VUS by a clinical laboratory in ClinVar. It was observed in a de novo individual with generalised myoclonic epilepsy, abnormal brain MRI and global developmental delay; Variant is located in the annotated RNA polymerase Rpb2 domain (DECIPHER); Missense variant with inconclusive in silico prediction and/or uninformative conservation; Loss of function is a known mechanism of disease in this gene and is associated with leukodystrophy, hypomyelinating, 8, with or without oligodontia and/or hypogonadotropic hypogonadism (MIM#614381). Dominant negative is a suspected mechanism of disease for this gene and is associated with Charcot-Marie-Tooth disease, demyelinating, type 1I (MIM#619742) (PMID: 33417887); Variants in this gene are known to have variable expressivity (OMIM); Inheritance information for this variant is not currently available in this individual.

Literature cited by the submitters: PubMed 33417887.